The following is an entry in ClinVar:

ClinVar aggregate classification (germline): Uncertain significance (1 of 4 stars; one submission).

Submission:

Women's Health and Genetics/Laboratory Corporation of America, LabCorp
Classification: Uncertain significance. Last evaluated: 2026-05-11. Review status: criteria provided, single submitter. Criteria: LabCorp Variant Classification Summary - May 2015. Collection method: clinical testing. Allele origin: germline.
Comment: Variant summary: KIF1A c.619G>A (p.Ala207Thr) results in a non-conservative amino acid change in the encoded protein sequence. Algorithms developed to predict the effect of missense changes on protein structure and function are either unavailable or do not agree on the potential impact of this missense change. The variant was absent in 249216 control chromosomes. The available data on variant occurrences in the general population are insufficient to allow any conclusion about variant significance. To our knowledge, no occurrence of c.619G>A in individuals affected with KIF1A-related conditions and no experimental evidence demonstrating its impact on protein function have been reported. No submitters have cited clinical-significance assessments for this variant to ClinVar. Based on the evidence outlined above, the variant was classified as uncertain significance.

NM_001244008.2(KIF1A):c.619G>A (p.Ala207Thr)

Gene: KIF1A (kinesin family member 1A; minus strand). Cytogenetic location: 2q37.3.
Variant type: single nucleotide variant.
Coding change: c.619G>A on transcript NM_001244008.2 (MANE Select); coding-DNA position 619, G replaced by A.
Protein change: p.Ala207Thr; replaces alanine 207 with threonine.
Molecular consequence: missense variant.
Genome position (GRCh38, 1-based): chr2:240,785,090, C>T on the plus strand (G>A on the coding strand, the complement: KIF1A is on the minus strand). VCF-style: chr2-240785090-C-T. GRCh37 (hg19) VCF-style: chr2-241724507-C-T.
Other names: c.619G>A, p.Ala207Thr (NM_001320705.2, NM_001330289.2, NM_001330290.2 and 20 more transcripts); short protein forms A207T.
Identifiers: ClinVar variation 4853312 (VCV004853312.1).